The following is an entry in ClinVar:

NM_000257.4(MYH7):c.64G>A (p.Glu22Lys)

Gene: MYH7 (myosin heavy chain 7; minus strand). Cytogenetic location: 14q11.2.
Variant type: single nucleotide variant.
Coding change: c.64G>A on transcript NM_000257.4 (MANE Select); coding-DNA position 64, G replaced by A.
Protein change: p.Glu22Lys; replaces glutamic acid 22 with lysine.
Molecular consequence: missense variant.
Genome position (GRCh38, 1-based): chr14:23,433,669, C>T on the plus strand (G>A on the coding strand, the complement: MYH7 is on the minus strand). VCF-style: chr14-23433669-C-T. GRCh37 (hg19) VCF-style: chr14-23902878-C-T.
Other names: c.64G>A, p.Glu22Lys (NM_001407004.1); short protein forms E22K.
Identifiers: ClinVar variation 3677684 (VCV003677684.2).

ClinVar aggregate classification (germline): Uncertain significance (1 of 4 stars; one submission).

Conditions:
Hypertrophic cardiomyopathy. Also called: HYPERTROPHIC MYOCARDIOPATHY. Identifiers: Orphanet 217569, MedGen C0007194, MeSH D002312, MONDO:0005045, HP:0001639.

Submission:

Labcorp Genetics (formerly Invitae), Labcorp
Classification: Uncertain significance for Hypertrophic cardiomyopathy. Last evaluated: 2024-11-11. Review status: criteria provided, single submitter. Criteria: Invitae Variant Classification Sherloc (09022015). Collection method: clinical testing. Allele origin: germline.
Comment: This sequence change replaces glutamic acid, which is acidic and polar, with lysine, which is basic and polar, at codon 22 of the MYH7 protein (p.Glu22Lys). This variant is not present in population databases (gnomAD no frequency). This variant has not been reported in the literature in individuals affected with MYH7-related conditions. Invitae Evidence Modeling of protein sequence and biophysical properties (such as structural, functional, and spatial information, amino acid conservation, physicochemical variation, residue mobility, and thermodynamic stability) indicates that this missense variant is expected to disrupt MYH7 protein function with a positive predictive value of 95%. In summary, the available evidence is currently insufficient to determine the role of this variant in disease. Therefore, it has been classified as a Variant of Uncertain Significance.